The following is an entry in ClinVar:

NM_001852.4(COL9A2):c.328C>A (p.Pro110Thr)

Genes: COL9A2 (collagen type IX alpha 2 chain; minus strand), LOC129930257 (ATAC-STARR-seq lymphoblastoid active region 840; plus strand). Cytogenetic location: 1p34.2.
Variant type: single nucleotide variant.
Coding change: c.328C>A on transcript NM_001852.4 (MANE Select); coding-DNA position 328, C replaced by A.
Protein change: p.Pro110Thr; replaces proline 110 with threonine.
Molecular consequence: missense variant.
Genome position (GRCh38, 1-based): chr1:40,312,585, G>T on the plus strand (C>A on the coding strand, the complement: COL9A2 is on the minus strand). VCF-style: chr1-40312585-G-T. GRCh37 (hg19) VCF-style: chr1-40778257-G-T.
Other names: short protein forms P110T.
Identifiers: ClinVar variation 2828759 (VCV002828759.4), dbSNP rs2522561102, ClinGen allele CA339857171.
Genomic context (GRCh38, chr1:40,312,585, plus strand): 5'-GTCCCCTCTCCCCCAAGAGTCCCTCGAAGCCCTTGCAGGTTGTACTCACCGGAAGGCCAG[G>T]AGGACCAGGAAGCCCGGGCTGGCCCTGCAGAAGCAACGAGAAAGGCTCAGAGGCTGGGGT-3'
Protein context (NP_001843.1, residues 100-120): VKGQPGLPGP[Pro110Thr]GLPGPGFAGP

ClinVar aggregate classification (germline): Uncertain significance. Review status: criteria provided, multiple submitters, no conflicts (2 of 4 stars). 2 submissions from 2 submitters: Uncertain significance (2). Last evaluated 2023-11-02.

gnomAD v4.1: 18 of 1,614,068 alleles (0.0011%); highest among the groups gnomAD compares: Non-Finnish European, 0.0015%; no homozygotes.

Submissions (2):

Labcorp Genetics (formerly Invitae), Labcorp
Classification: Uncertain significance. Last evaluated: 2023-11-02. Review status: criteria provided, single submitter. Criteria: Invitae Variant Classification Sherloc (09022015). Collection method: clinical testing. Allele origin: germline.
Comment: This sequence change replaces proline, which is neutral and non-polar, with threonine, which is neutral and polar, at codon 110 of the COL9A2 protein (p.Pro110Thr). This variant is not present in population databases (gnomAD no frequency). This variant has not been reported in the literature in individuals affected with COL9A2-related conditions. Advanced modeling of protein sequence and biophysical properties (such as structural, functional, and spatial information, amino acid conservation, physicochemical variation, residue mobility, and thermodynamic stability) performed at Invitae indicates that this missense variant is not expected to disrupt COL9A2 protein function with a negative predictive value of 95%. In summary, the available evidence is currently insufficient to determine the role of this variant in disease. Therefore, it has been classified as a Variant of Uncertain Significance.

Blueprint Genetics
Classification: Uncertain significance. Last evaluated: 2021-09-04. Review status: criteria provided, single submitter. Criteria: ACMG Guidelines, 2015. Collection method: clinical testing. Allele origin: germline.